The following is an entry in ClinVar:

NM_152564.5(VPS13B):c.9394A>T (p.Lys3132Ter)

Gene: VPS13B (vacuolar protein sorting 13 homolog B; plus strand). Cytogenetic location: 8q22.2.
Variant type: single nucleotide variant.
Coding change: c.9394A>T on transcript NM_152564.5 (MANE Select); coding-DNA position 9394, A replaced by T.
Protein change: p.Lys3132Ter; replaces lysine 3132 with a stop codon.
Molecular consequence: nonsense.
Genome position (GRCh38, 1-based): chr8:99,832,432, A>T. VCF-style: chr8-99832432-A-T. GRCh37 (hg19) VCF-style: chr8-100844660-A-T.
Other names: c.9469A>T, p.Lys3157Ter (NM_017890.5); short protein forms K3132*, K3157*.
Identifiers: ClinVar variation 1724046 (VCV001724046.2), dbSNP rs2492093289, ClinGen allele CA371781300.

ClinVar aggregate classification (germline): Likely pathogenic (1 of 4 stars; one submission).

Conditions:
Cohen syndrome (COH1). Also called: PEPPER SYNDROME; Cutis verticis gyrata, retinitis pigmentosa, and sensorineural deafness. Identifiers: Orphanet 193, MedGen C0265223, MONDO:0008999, OMIM 216550.

Submission:

Myriad Genetics, Inc.
Classification: Likely pathogenic for Cohen syndrome. Last evaluated: 2022-01-24. Review status: criteria provided, single submitter. Criteria: Myriad Women's Health Autosomal Recessive and X-Linked Classification Criteria (2021). Collection method: clinical testing. Allele origin: unknown.
Comment: NM_017890.4(VPS13B):c.9469A>T(K3157*) is expected to be pathogenic in the context of Cohen syndrome. This variant is predicted to lead to an abnormal or absent protein product due to the creation of a premature termination codon in VPS13B, a gene where loss-of-function variants are known to be pathogenic. Please note: this variant was assessed in the context of healthy population screening.